The following is an entry in ClinVar:

ClinVar aggregate classification (germline): Uncertain significance (1 of 4 stars; one submission).

Conditions:
Neuroblastoma, susceptibility to, 3. Also called: ALK-Related Neuroblastic Tumor Susceptibility. Identifiers: Orphanet 635, MedGen C2751681, MONDO:0013083, OMIM 613014.

Submission:

Labcorp Genetics (formerly Invitae), Labcorp
Classification: Uncertain significance for Neuroblastoma, susceptibility to, 3. Last evaluated: 2023-08-10. Review status: criteria provided, single submitter. Criteria: Invitae Variant Classification Sherloc (09022015). Collection method: clinical testing. Allele origin: germline.
Comment: In summary, the available evidence is currently insufficient to determine the role of this variant in disease. Therefore, it has been classified as a Variant of Uncertain Significance. This sequence change replaces proline, which is neutral and non-polar, with arginine, which is basic and polar, at codon 234 of the ALK protein (p.Pro234Arg). This variant is not present in population databases (gnomAD no frequency). This variant has not been reported in the literature in individuals affected with ALK-related conditions. An algorithm developed to predict the effect of missense changes on protein structure and function (PolyPhen-2) suggests that this variant is likely to be disruptive.

NM_004304.5(ALK):c.701C>G (p.Pro234Arg)

Gene: ALK (ALK receptor tyrosine kinase; minus strand). Cytogenetic location: 2p23.2.
Variant type: single nucleotide variant.
Coding change: c.701C>G on transcript NM_004304.5 (MANE Select); coding-DNA position 701, C replaced by G.
Protein change: p.Pro234Arg; replaces proline 234 with arginine.
Molecular consequence: missense variant.
Genome position (GRCh38, 1-based): chr2:29,717,664, G>C on the plus strand (C>G on the coding strand, the complement: ALK is on the minus strand). VCF-style: chr2-29717664-G-C. GRCh37 (hg19) VCF-style: chr2-29940530-G-C.
Other names: short protein forms P234R.
Identifiers: ClinVar variation 3019225 (VCV003019225.3), dbSNP rs948241251, ClinGen allele CA346587789.
Genomic context (GRCh38, chr2:29,717,664, plus strand): 5'-GGGAAGGAGTCTTTCATTATCCAGGTGAGATTCCATGTAAAATAATCAGGAGAAGGAGAA[G>C]GCATGTTTGTTGGTGATTCCAAGGAGCTATGACCTGGACATAAAAATAAAGAAAACACTG-3'
Protein context (NP_004295.2, residues 224-244): HSSLESPTNM[Pro234Arg]SPSPDYFTWN